The following is an entry in ClinVar:

NM_002485.5(NBN):c.115C>A (p.Gln39Lys)

Gene: NBN (nibrin; minus strand). Cytogenetic location: 8q21.3.
Variant type: single nucleotide variant.
Coding change: c.115C>A on transcript NM_002485.5 (MANE Select); coding-DNA position 115, C replaced by A.
Protein change: p.Gln39Lys; replaces glutamine 39 with lysine.
Molecular consequence: missense variant. On other transcripts: 5 prime UTR variant (1).
Genome position (GRCh38, 1-based): chr8:89,982,778, G>T on the plus strand (C>A on the coding strand, the complement: NBN is on the minus strand). VCF-style: chr8-89982778-G-T. GRCh37 (hg19) VCF-style: chr8-90995006-G-T.
Other names: c.-182C>A (NM_001024688.3); short protein forms Q39K.
Identifiers: ClinVar variation 530760 (VCV000530760.23), dbSNP rs377730553, ClinGen allele CA181281098.

ClinVar aggregate classification (germline): Uncertain significance. Review status: criteria provided, multiple submitters, no conflicts (2 of 4 stars). 5 submissions from 5 submitters: Uncertain significance (4). 1 of the submissions does not count toward it. Last evaluated 2024-02-13.

Conditions:
Hereditary cancer-predisposing syndrome. Also called: Neoplastic Syndromes, Hereditary; Hereditary neoplastic syndrome; Tumor predisposition; Hereditary Cancer Syndrome. Identifiers: Orphanet 140162, MedGen C0027672, MeSH D009386, MONDO:0015356.
Aplastic anemia. Identifiers: Orphanet 182040, Orphanet 88, MedGen C0002874, MONDO:0015909, OMIM 609135, HP:0001915.
Microcephaly, normal intelligence and immunodeficiency (NBS). Also called: Immunodeficiency, microcephaly with normal intelligence; Ataxia telangiectasia variant V1; IMMUNODEFICIENCY, MICROCEPHALY, AND CHROMOSOMAL INSTABILITY; BERLIN BREAKAGE SYNDROME; SEEMANOVA SYNDROME II; Nijmegen breakage syndrome. Identifiers: Orphanet 647, MedGen C0398791, MONDO:0009623, OMIM 251260.
Acute lymphoid leukemia (ALL). Also called: Lymphoblastic leukemia; Acute lymphoblastic leukemia; Acute lymphocytic leukemia; Leukemia, acute lymphoblastic, somatic. Identifiers: Orphanet 513, MedGen C0023449, MONDO:0004967, OMIM 613065, HP:0006721.

Allele frequency attached by ClinVar (database versions not stated): ESP Exome Variant Server 0.00008.
gnomAD v4.1: 44 of 1,613,736 alleles (0.0027%); highest among the groups gnomAD compares: Non-Finnish European, 0.0036%; no homozygotes.

Submissions (5):

Baylor Genetics
Classification: Uncertain significance for Aplastic anemia. Last evaluated: 2024-02-13. Review status: criteria provided, single submitter. Criteria: ACMG Guidelines, 2015. Collection method: clinical testing. Allele origin: unknown.

Ambry Genetics
Classification: Uncertain significance for Hereditary cancer-predisposing syndrome. Last evaluated: 2022-10-27. Review status: criteria provided, single submitter. Criteria: Ambry Variant Classification Scheme 2023. Collection method: clinical testing. Allele origin: germline.
Comment: The p.Q39K variant (also known as c.115C>A), located in coding exon 2 of the NBN gene, results from a C to A substitution at nucleotide position 115. The glutamine at codon 39 is replaced by lysine, an amino acid with similar properties. This amino acid position is not well conserved in available vertebrate species. In addition, this alteration is predicted to be tolerated by in silico analysis. Since supporting evidence is limited at this time, the clinical significance of this alteration remains unclear.

Labcorp Genetics (formerly Invitae), Labcorp
Classification: Uncertain significance for Microcephaly, normal intelligence and immunodeficiency. Last evaluated: 2022-10-17. Review status: criteria provided, single submitter. Criteria: Invitae Variant Classification Sherloc (09022015). Collection method: clinical testing. Allele origin: germline.
Comment: This sequence change replaces glutamine, which is neutral and polar, with lysine, which is basic and polar, at codon 39 of the NBN protein (p.Gln39Lys). This variant is not present in population databases (gnomAD no frequency). This variant has not been reported in the literature in individuals affected with NBN-related conditions. ClinVar contains an entry for this variant (Variation ID: 530760). Algorithms developed to predict the effect of missense changes on protein structure and function output the following: SIFT: "Tolerated"; PolyPhen-2: "Benign"; Align-GVGD: "Class C0". The lysine amino acid residue is found in multiple mammalian species, which suggests that this missense change does not adversely affect protein function. In summary, the available evidence is currently insufficient to determine the role of this variant in disease. Therefore, it has been classified as a Variant of Uncertain Significance.

Genome-Nilou Lab
Classification: Uncertain significance for Microcephaly, normal intelligence and immunodeficiency. Last evaluated: 2021-11-07. Review status: criteria provided, single submitter. Criteria: ACMG Guidelines, 2015. Collection method: clinical testing. Allele origin: germline. Affected: no.

Natera, Inc.
Classification: Uncertain significance for Nijmegen breakage syndrome. Last evaluated: 2020-08-17. Review status: no assertion criteria provided. Collection method: clinical testing. Allele origin: germline. Not counted in ClinVar's aggregate classification.